The following is an entry in ClinVar:

NM_021044.4(DHH):c.822T>G (p.Phe274Leu)

Gene: DHH (desert hedgehog signaling molecule; minus strand). Cytogenetic location: 12q13.12.
Variant type: single nucleotide variant.
Coding change: c.822T>G on transcript NM_021044.4 (MANE Select); coding-DNA position 822, T replaced by G.
Protein change: p.Phe274Leu; replaces phenylalanine 274 with leucine.
Molecular consequence: missense variant.
Genome position (GRCh38, 1-based): chr12:49,090,228, A>C on the plus strand (T>G on the coding strand, the complement: DHH is on the minus strand). VCF-style: chr12-49090228-A-C. GRCh37 (hg19) VCF-style: chr12-49484011-A-C.
Other names: short protein forms F274L.
Identifiers: ClinVar variation 948136 (VCV000948136.9), dbSNP rs1242767279, ClinGen allele CA384716515.

ClinVar aggregate classification (germline): Uncertain significance (1 of 4 stars; one submission).

Conditions:
46,XY sex reversal 7. Also called: DHH-Related 46,XY complete gonadal dysgenesis; GONADAL DYSGENESIS, XY, MALE-LIMITED; 46,XY SEX REVERSAL, PARTIAL OR COMPLETE, DHH-RELATED; 46,XY GONADAL DYSGENESIS, PARTIAL OR COMPLETE, DHH-RELATED. Identifiers: Orphanet 242, MedGen C1856273, MONDO:0009301, OMIM 233420.

Allele frequency attached by ClinVar (database versions not stated): TOPMed 0.00001.

Submission:

Labcorp Genetics (formerly Invitae), Labcorp
Classification: Uncertain significance for 46,XY sex reversal 7. Last evaluated: 2019-06-05. Review status: criteria provided, single submitter. Criteria: Invitae Variant Classification Sherloc (09022015). Collection method: clinical testing. Allele origin: germline.
Comment: In summary, the available evidence is currently insufficient to determine the role of this variant in disease. Therefore, it has been classified as a Variant of Uncertain Significance. Algorithms developed to predict the effect of missense changes on protein structure and function are either unavailable or do not agree on the potential impact of this missense change (SIFT: "Tolerated"; PolyPhen-2: "Probably Damaging"; Align-GVGD: "Class C0"). This variant has not been reported in the literature in individuals with DHH-related conditions. The frequency data for this variant in the population databases is considered unreliable, as metrics indicate insufficient coverage at this position in the ExAC database. This sequence change replaces phenylalanine with leucine at codon 274 of the DHH protein (p.Phe274Leu). The phenylalanine residue is moderately conserved and there is a small physicochemical difference between phenylalanine and leucine.